The following is an entry in ClinVar:

NM_001083962.2(TCF4):c.649A>C (p.Met217Leu)

Gene: TCF4 (transcription factor 4; minus strand). Cytogenetic location: 18q21.2.
Variant type: single nucleotide variant.
Coding change: c.649A>C on transcript NM_001083962.2 (MANE Select); coding-DNA position 649, A replaced by C.
Protein change: p.Met217Leu; replaces methionine 217 with leucine.
Molecular consequence: missense variant. On other transcripts: initiator codon variant (1).
Genome position (GRCh38, 1-based): chr18:55,279,557, T>G on the plus strand (A>C on the coding strand, the complement: TCF4 is on the minus strand). VCF-style: chr18-55279557-T-G. GRCh37 (hg19) VCF-style: chr18-52946788-T-G.
Other names: NM_001083962.2(TCF4):c.649A>C; p.Met217Leu; c.649A>C, p.Met217Leu (NM_001369568.1, NM_001369571.1, NM_001369572.1 and 4 more transcripts); c.646A>C, p.Met216Leu (NM_001369569.1, NM_001369570.1, NM_001369573.1); c.577A>C, p.Met193Leu (NM_001369575.1, NM_001369577.1, NM_001243227.2 and 9 more transcripts); c.574A>C, p.Met192Leu (NM_001369576.1, NM_001348220.1, NM_001369578.1 and 3 more transcripts); c.955A>C, p.Met319Leu (NM_001243226.3); c.667A>C, p.Met223Leu (NM_001243228.2); and 6 more; short protein forms M146L, M175L, M192L, M193L, M1L, M215L, M216L, M217L.
Identifiers: ClinVar variation 1167086 (VCV001167086.14), dbSNP rs768573052, ClinGen allele CA8970440.

ClinVar aggregate classification (germline): Uncertain significance. Review status: reviewed by expert panel (3 of 4 stars). 3 submissions from 3 submitters: Uncertain significance (1). 2 of the submissions do not count toward it. Last evaluated 2026-04-23.

Conditions:
Pitt-Hopkins syndrome (PTHS). Also called: ENCEPHALOPATHY, SEVERE EPILEPTIC, WITH AUTONOMIC DYSFUNCTION; MENTAL RETARDATION, SYNDROMAL, WITH INTERMITTENT HYPERVENTILATION. Identifiers: Orphanet 2896, MedGen C1970431, MONDO:0012589, OMIM 610954.

Submissions (3):

ClinGen Rett and Angelman-like Disorders Variant Curation Expert Panel
Classification: Uncertain significance for Pitt-Hopkins syndrome. Last evaluated: 2026-04-23. Review status: reviewed by expert panel. Criteria: ClinGen RettAS ACMG Specifications TCF4 V5.0.0. Collection method: curation. Allele origin: germline. Inheritance: Autosomal dominant inheritance.
Comment: The p.Met217Leu variant in TCF4 is absent from gnomAD v4.1.1 (PM2_Supporting). However, the computational predictor REVEL gives a score of 0.228, which is below the threshold of 0.290, evidence that does not predict a damaging effect on TCF4 function (BP4). In summary, the p.Met217Leu variant in TCF4 is classified as a variant of uncertain significance based on the ACMG/AMP criteria (PM2_supporting, BP4). (TCF4 Specifications v5.0; curation approved on 4/23/2026)

Labcorp Genetics (formerly Invitae), Labcorp
Classification: Benign for Pitt-Hopkins syndrome. Last evaluated: 2020-05-21. Review status: criteria provided, single submitter. Criteria: Invitae Variant Classification Sherloc (09022015). Collection method: clinical testing. Allele origin: germline. Not counted in ClinVar's aggregate classification.

Genetic Services Laboratory, University of Chicago
Classification: Uncertain significance. Last evaluated: 2017-08-24. Review status: criteria provided, single submitter. Criteria: ACMG Guidelines, 2015. Collection method: clinical testing. Allele origin: germline. Affected: no. Not counted in ClinVar's aggregate classification.